The following is an entry in ClinVar:

ClinVar aggregate classification (germline): Pathogenic (1 of 4 stars; one submission).

gnomAD v4.1: 1 of 1,614,124 alleles (0.000062%); no homozygotes.

Submission:

Labcorp Genetics (formerly Invitae), Labcorp
Classification: Pathogenic. Last evaluated: 2023-09-06. Review status: criteria provided, single submitter. Criteria: Invitae Variant Classification Sherloc (09022015). Collection method: clinical testing. Allele origin: germline.
Comment: Algorithms developed to predict the effect of sequence changes on RNA splicing suggest that this variant may disrupt the consensus splice site. Disruption of this splice site has been observed in individual(s) with ocular albinism (PMID: 24096233). In at least one individual the data is consistent with being in trans (on the opposite chromosome) from a pathogenic variant. This variant is not present in population databases (gnomAD no frequency). This sequence change affects a donor splice site in intron 5 of the SLC45A2 gene. It is expected to disrupt RNA splicing. Variants that disrupt the donor or acceptor splice site typically lead to a loss of protein function (PMID: 16199547), and loss-of-function variants in SLC45A2 are known to be pathogenic (PMID: 21458243, 26573111). For these reasons, this variant has been classified as Pathogenic.

Literature cited by the submitters: PubMed 24096233; PubMed 16199547; PubMed 21458243; PubMed 26573111.

NM_016180.5(SLC45A2):c.1156+1G>A

Gene: SLC45A2 (solute carrier family 45 member 2; minus strand). Cytogenetic location: 5p13.2.
Variant type: single nucleotide variant.
Coding change: c.1156+1G>A on transcript NM_016180.5 (MANE Select); the canonical splice donor site of the intron after coding-DNA position 1156, G replaced by A.
Molecular consequence: splice donor variant. On other transcripts: 3 prime UTR variant (1).
Genome position (GRCh38, 1-based): chr5:33,951,553, C>T on the plus strand (G>A on the coding strand, the complement: SLC45A2 is on the minus strand). VCF-style: chr5-33951553-C-T. GRCh37 (hg19) VCF-style: chr5-33951658-C-T.
Other names: c.*99G>A (NM_001297417.4); c.1156+1G>A (NM_001012509.4).
Identifiers: ClinVar variation 2734705 (VCV002734705.3), dbSNP rs752501574, ClinGen allele CA359389641.